The following is an entry in ClinVar:

NM_004863.4(SPTLC2):c.128G>A (p.Gly43Asp)

Gene: SPTLC2 (serine palmitoyltransferase long chain base subunit 2; minus strand). Cytogenetic location: 14q24.3.
Variant type: single nucleotide variant.
Coding change: c.128G>A on transcript NM_004863.4 (MANE Select); coding-DNA position 128, G replaced by A.
Protein change: p.Gly43Asp; replaces glycine 43 with aspartic acid.
Molecular consequence: missense variant.
Genome position (GRCh38, 1-based): chr14:77,616,452, C>T on the plus strand (G>A on the coding strand, the complement: SPTLC2 is on the minus strand). VCF-style: chr14-77616452-C-T. GRCh37 (hg19) VCF-style: chr14-78082795-C-T.
Other names: short protein forms G43D.
Identifiers: ClinVar variation 1309201 (VCV001309201.5), dbSNP rs1057521684, ClinGen allele CA390712016.

ClinVar aggregate classification (germline): Uncertain significance. Review status: criteria provided, multiple submitters, no conflicts (2 of 4 stars). 2 submissions from 2 submitters: Uncertain significance (2). Last evaluated 2023-02-14.

Conditions:
Neuropathy, hereditary sensory and autonomic, type 1C. Also called: HSAN IC; HSN IC. Identifiers: Orphanet 36386, MedGen C3150896, MONDO:0013337, OMIM 613640.

Allele frequency attached by ClinVar (database versions not stated): gnomAD exomes below 0.00001.

Submissions (2):

Labcorp Genetics (formerly Invitae), Labcorp
Classification: Uncertain significance for Neuropathy, hereditary sensory and autonomic, type 1C. Last evaluated: 2023-02-14. Review status: criteria provided, single submitter. Criteria: Invitae Variant Classification Sherloc (09022015). Collection method: clinical testing. Allele origin: germline.
Comment: This sequence change replaces glycine, which is neutral and non-polar, with aspartic acid, which is acidic and polar, at codon 43 of the SPTLC2 protein (p.Gly43Asp). This variant is not present in population databases (gnomAD no frequency). This variant has not been reported in the literature in individuals affected with SPTLC2-related conditions. ClinVar contains an entry for this variant (Variation ID: 1309201). Algorithms developed to predict the effect of missense changes on protein structure and function (SIFT, PolyPhen-2, Align-GVGD) all suggest that this variant is likely to be tolerated. In summary, the available evidence is currently insufficient to determine the role of this variant in disease. Therefore, it has been classified as a Variant of Uncertain Significance.

GeneDx
Classification: Uncertain significance. Last evaluated: 2019-10-10. Review status: criteria provided, single submitter. Criteria: GeneDx Variant Classification Process June 2021. Collection method: clinical testing. Allele origin: germline. Affected: yes.
Comment: Not observed in large population cohorts (Lek et al., 2016); In silico analysis, which includes protein predictors and evolutionary conservation, supports that this variant does not alter protein structure/function; Has not been previously published as pathogenic or benign to our knowledge